The following is an entry in ClinVar:

ClinVar aggregate classification (germline): Conflicting classifications of pathogenicity. Review status: criteria provided, conflicting classifications (1 of 4 stars). 2 submissions from 2 submitters: Uncertain significance (1); Likely benign (1). Last evaluated 2025-09-08.

Conditions:
Intellectual developmental disorder, autosomal dominant 1. Also called: Intellectual disability, autosomal dominant 1; MBD5 Haploinsufficiency. Identifiers: Orphanet 228402, MedGen C1969562, MONDO:0007974, OMIM 156200.

Allele frequency attached by ClinVar (database versions not stated): gnomAD exomes 0.00002 and 0.00003; TOPMed 0.00003; ExAC 0.00001; gnomAD 0.00002.
gnomAD v4.1: 49 of 1,614,068 alleles (0.003%); highest among the groups gnomAD compares: Middle Eastern, 0.016%; no homozygotes.

Submissions (2):

Labcorp Genetics (formerly Invitae), Labcorp
Classification: Uncertain significance for Intellectual developmental disorder, autosomal dominant 1. Last evaluated: 2025-09-08. Review status: criteria provided, single submitter. Criteria: Invitae Variant Classification Sherloc (09022015). Collection method: clinical testing. Allele origin: germline.
Comment: This sequence change replaces proline, which is neutral and non-polar, with alanine, which is neutral and non-polar, at codon 1050 of the MBD5 protein (p.Pro1050Ala). This variant is present in population databases (rs764468729, gnomAD 0.006%). This variant has not been reported in the literature in individuals affected with MBD5-related conditions. ClinVar contains an entry for this variant (Variation ID: 518121). Invitae Evidence Modeling of protein sequence and biophysical properties (such as structural, functional, and spatial information, amino acid conservation, physicochemical variation, residue mobility, and thermodynamic stability) indicates that this missense variant is not expected to disrupt MBD5 protein function with a negative predictive value of 80%. In summary, the available evidence is currently insufficient to determine the role of this variant in disease. Therefore, it has been classified as a Variant of Uncertain Significance.

GeneDx
Classification: Likely benign. Last evaluated: 2017-06-22. Review status: criteria provided, single submitter. Criteria: GeneDx Variant Classification (06012015). Collection method: clinical testing. Allele origin: germline. Affected: yes.
Comment: This variant is considered likely benign or benign based on one or more of the following criteria: it is a conservative change, it occurs at a poorly conserved position in the protein, it is predicted to be benign by multiple in silico algorithms, and/or has population frequency not consistent with disease.

NM_001378120.1(MBD5):c.3847C>G (p.Pro1283Ala)

Gene: MBD5 (methyl-CpG binding domain protein 5; plus strand). Cytogenetic location: 2q23.1.
Variant type: single nucleotide variant.
Coding change: c.3847C>G on transcript NM_001378120.1 (MANE Select); coding-DNA position 3847, C replaced by G.
Protein change: p.Pro1283Ala; replaces proline 1283 with alanine.
Molecular consequence: missense variant.
Genome position (GRCh38, 1-based): chr2:148,489,479, C>G. VCF-style: chr2-148489479-C-G. GRCh37 (hg19) VCF-style: chr2-149247048-C-G.
Other names: c.3148C>G, p.Pro1050Ala (NM_018328.5); short protein forms P1050A, P1283A.
Identifiers: ClinVar variation 518121 (VCV000518121.8), dbSNP rs764468729, ClinGen allele CA1900344.